The following is an entry in ClinVar:

NM_000038.6(APC):c.4393_4394dup (p.Ser1465fs)

Gene: APC (APC regulator of Wnt signaling pathway; plus strand). Cytogenetic location: 5q22.2.
Variant type: Microsatellite.
Coding change: c.4393_4394dup on transcript NM_000038.6 (MANE Select); coding-DNA positions 4393 to 4394, 2 bases duplicated (AG; older notation c.4393_4394dupAG).
Protein change: p.Ser1465fs; shifts the reading frame from serine 1465.
Molecular consequence: frameshift variant. On other transcripts: non-coding transcript variant (2).
Genome position (GRCh38, 1-based): chr5:112,839,987-112,839,988, AG duplicated; duplicating any 2 consecutive bases within chr5:112,839,979-112,839,988 gives the same sequence; the c. name uses the placement nearest the transcript's 3' end. VCF-style (leftmost placement, unchanged base first): chr5-112839978-A-AAG. GRCh37 (hg19) VCF-style: chr5-112175675-A-AAG.
Other names: c.4393_4394dup, p.Ser1465fs (NM_001127510.3, NM_001354895.2, NM_001407450.1); c.4339_4340dup, p.Ser1447fs (NM_001127511.3); c.4447_4448dup, p.Ser1483fs (NM_001354896.2, NM_001407447.1, NM_001407448.1 and 1 more transcripts); c.4423_4424dup, p.Ser1475fs (NM_001354897.2); c.4318_4319dup, p.Ser1440fs (NM_001354898.2); c.4309_4310dup, p.Ser1437fs (NM_001354899.2); c.4270_4271dup, p.Ser1424fs (NM_001354900.2); c.4216_4217dup, p.Ser1406fs (NM_001354901.2, NM_001407453.1); and 11 more; short protein forms S1081fs, S1182fs, S1305fs, S1336fs, S1339fs, S1364fs, S1374fs, S1382fs.
Identifiers: ClinVar variation 2584288 (VCV002584288.5), dbSNP rs387906234, ClinGen allele CA645543865.
Genomic context (GRCh38, chr5:112,839,978, plus strand): 5'-CCTCCTCAAACAGCTCAAACCAAGCGAGAAGTACCTAAAAATAAAGCACCTACTGCTGAA[A>AAG]AGAGAGAGAGTGGACCTAAGCAAGCTGCAGTAAATGCTGCAGTTCAGAGGGTCCAGGTTC-3'

ClinVar aggregate classification (germline): Pathogenic. Review status: criteria provided, multiple submitters, no conflicts (2 of 4 stars). 3 submissions from 3 submitters: Pathogenic (3). Last evaluated 2024-12-09.

Conditions:
Familial adenomatous polyposis 1 (FAP1). Also called: FAMILIAL ADENOMATOUS POLYPOSIS 1, ATTENUATED; POLYPOSIS, ADENOMATOUS INTESTINAL. Identifiers: MedGen C2713442, MONDO:0021056, OMIM 175100. Disease mechanism: loss of function.
Classic or attenuated familial adenomatous polyposis. Identifiers: MedGen CN372698, MONDO:0021057.

Submissions (3):

Labcorp Genetics (formerly Invitae), Labcorp
Classification: Pathogenic for Familial adenomatous polyposis 1. Last evaluated: 2024-12-09. Review status: criteria provided, single submitter. Criteria: Invitae Variant Classification Sherloc (09022015). Collection method: clinical testing. Allele origin: germline.
Comment: This sequence change creates a premature translational stop signal (p.Ser1465Argfs*9) in the APC gene. While this is not anticipated to result in nonsense mediated decay, it is expected to disrupt the last 1379 amino acid(s) of the APC protein. This variant is not present in population databases (gnomAD no frequency). This premature translational stop signal has been observed in individual(s) with familial adenomatous polyposis (PMID: 10440612). This variant is also known as AGTG - AGAGTG at codon 1465. This variant is expected to disrupt the EB1 and HDLG binding sites, which mediate interactions with the cytoskeleton (PMID: 15311282, 17293347). While functional studies have not been performed to directly test the effect on APC protein function, this suggests that disruption of the C-terminal portion of the protein is functionally important. A different truncation (p.Tyr2645Lysfs*14) that lies downstream of this variant has been determined to be pathogenic (PMID: 9824584, 1316610, 27081525, 8381579, 22135120, internal data). This suggests that deletion of this region of the APC protein is causative of disease. For these reasons, this variant has been classified as Pathogenic.

Myriad Genetics, Inc.
Classification: Pathogenic for Familial adenomatous polyposis 1. Last evaluated: 2023-05-10. Review status: criteria provided, single submitter. Criteria: Myriad Autosomal Dominant, Autosomal Recessive and X-Linked Classification Criteria (2023). Collection method: clinical testing. Allele origin: unknown.
Comment: This variant is considered pathogenic. This variant creates a frameshift predicted to result in premature protein truncation.

Department of Pathology and Laboratory Medicine, Sinai Health System
Classification: Pathogenic for classic or attenuated familial adenomatous polyposis. Last evaluated: 2022-04-21. Review status: criteria provided, single submitter. Criteria: ACMG Guidelines, 2015. Collection method: clinical testing. Allele origin: germline. Affected: yes.

Literature cited by the submitters: PubMed 10440612 (cited by Labcorp Genetics (formerly Invitae), Labcorp); PubMed 15311282 (cited by Labcorp Genetics (formerly Invitae), Labcorp); PubMed 17293347 (cited by Labcorp Genetics (formerly Invitae), Labcorp); PubMed 9824584 (cited by Labcorp Genetics (formerly Invitae), Labcorp); PubMed 1316610 (cited by Labcorp Genetics (formerly Invitae), Labcorp); PubMed 27081525 (cited by Labcorp Genetics (formerly Invitae), Labcorp); PubMed 8381579 (cited by Labcorp Genetics (formerly Invitae), Labcorp); PubMed 22135120 (cited by Labcorp Genetics (formerly Invitae), Labcorp).